The following is an entry in ClinVar:

NM_006080.3(SEMA3A):c.1275G>A (p.Thr425=)

Gene: SEMA3A (semaphorin 3A; minus strand). Cytogenetic location: 7q21.11.
Variant type: single nucleotide variant.
Coding change: c.1275G>A on transcript NM_006080.3 (MANE Select); coding-DNA position 1275, G replaced by A.
Protein change: p.Thr425=; no amino-acid change (threonine 425 retained).
Molecular consequence: synonymous variant.
Genome position (GRCh38, 1-based): chr7:84,005,424, C>T on the plus strand (G>A on the coding strand, the complement: SEMA3A is on the minus strand). VCF-style: chr7-84005424-C-T. GRCh37 (hg19) VCF-style: chr7-83634740-C-T.
Identifiers: ClinVar variation 4986523 (VCV004986523.1).

ClinVar aggregate classification (germline): Likely benign (1 of 4 stars; one submission).

Conditions:
SEMA3A-related disorder. Also called: SEMA3A-related condition.

gnomAD v4.1: 18 of 1,613,604 alleles (0.0011%); highest among the groups gnomAD compares: Admixed American, 0.005%; no homozygotes.

Submission:

PreventionGenetics, part of Exact Sciences
Classification: Likely benign for SEMA3A-related condition. Last evaluated: 2024-10-27. Review status: criteria provided, single submitter. Criteria: ACMG Guidelines, 2015. Collection method: clinical testing. Allele origin: germline.
Comment: This variant is classified as likely benign based on ACMG/AMP sequence variant interpretation guidelines (Richards et al. 2015 PMID: 25741868, with internal and published modifications).